The following is an entry in ClinVar:

ClinVar aggregate classification (germline): Uncertain significance. Review status: criteria provided, single submitter (1 of 4 stars). 2 submissions from 2 submitters: Uncertain significance (1). 1 of the submissions does not count toward it. Last evaluated 2025-12-27.

Conditions:
Combined oxidative phosphorylation deficiency 48. Identifiers: MedGen C5436602, MONDO:0033566, OMIM 619012.

Allele frequency attached by ClinVar (database versions not stated): gnomAD 0.00001; gnomAD exomes 0.00001 and 0.00003; TOPMed 0.00002; ExAC 0.00004.
gnomAD v4.1: 22 of 1,613,892 alleles (0.0014%); highest among the groups gnomAD compares: Admixed American, 0.012%; no homozygotes.

Submissions (2):

Labcorp Genetics (formerly Invitae), Labcorp
Classification: Uncertain significance. Last evaluated: 2025-12-27. Review status: criteria provided, single submitter. Criteria: Invitae Variant Classification Sherloc (09022015). Collection method: clinical testing. Allele origin: germline.
Comment: This sequence change creates a premature translational stop signal (p.Arg99*) in the NSUN3 gene. It is expected to result in an absent or disrupted protein product. However, the current clinical and genetic evidence is not sufficient to establish whether loss-of-function variants in NSUN3 cause disease. This variant is present in population databases (rs762031082, gnomAD 0.02%). This premature translational stop signal has been observed in individual(s) with clinical features of NSUN3-related conditions (PMID: 27356879, 40465263). ClinVar contains an entry for this variant (Variation ID: 978075). In summary, the available evidence is currently insufficient to determine the role of this variant in disease. Therefore, it has been classified as a Variant of Uncertain Significance.

OMIM
Classification: Pathogenic for COMBINED OXIDATIVE PHOSPHORYLATION DEFICIENCY 48. Last evaluated: 2020-09-17. Review status: no assertion criteria provided. Collection method: literature only. Allele origin: germline. Not counted in ClinVar's aggregate classification.

Literature cited by the submitters: PubMed 27356879 (cited by Labcorp Genetics (formerly Invitae), Labcorp and OMIM); PubMed 40465263 (cited by Labcorp Genetics (formerly Invitae), Labcorp).

NM_022072.5(NSUN3):c.295C>T (p.Arg99Ter)

Gene: NSUN3 (NOP2/Sun RNA methyltransferase 3; plus strand). Cytogenetic location: 3q11.2.
Variant type: single nucleotide variant.
Coding change: c.295C>T on transcript NM_022072.5 (MANE Select); coding-DNA position 295, C replaced by T.
Protein change: p.Arg99Ter; replaces arginine 99 with a stop codon.
Molecular consequence: nonsense.
Genome position (GRCh38, 1-based): chr3:94,084,279, C>T. VCF-style: chr3-94084279-C-T. GRCh37 (hg19) VCF-style: chr3-93803123-C-T.
Other names: short protein forms R99*.
Identifiers: ClinVar variation 978075 (VCV000978075.6), dbSNP rs762031082, ClinGen allele CA2504678.
Genomic context (GRCh38, chr3:94,084,279, plus strand): 5'-CAGGGATCTTTACCCAACTATCCTAAATCAGTGAAGTGTTACCTTAGCAGAACTCCGGGC[C>T]GAATCCCTTCAGAAAGACACCAAATTGGAAACCTGAAAAAATATTATCTCCTAAATGCTG-3'